The following is an entry in ClinVar:

ClinVar aggregate classification (germline): Uncertain significance (1 of 4 stars; one submission).

Allele frequency attached by ClinVar (database versions not stated): gnomAD exomes below 0.00001; ExAC 0.00001.
gnomAD v4.1: 1 of 1,610,536 alleles (0.000062%); highest among the groups gnomAD compares: Non-Finnish European, 0.000085%; no homozygotes.

Submission:

GeneDx
Classification: Uncertain significance. Last evaluated: 2022-03-15. Review status: criteria provided, single submitter. Criteria: GeneDx Variant Classification Process June 2021. Collection method: clinical testing. Allele origin: germline. Affected: yes.
Comment: In silico analysis supports a deleterious effect on splicing; Has not been previously published as pathogenic or benign to our knowledge

NM_001282531.3(ADNP):c.-3A>G

Gene: ADNP (activity dependent neuroprotector homeobox; minus strand). Cytogenetic location: 20q13.13.
Variant type: single nucleotide variant.
Coding change: c.-3A>G on transcript NM_001282531.3 (MANE Select); 3 bases upstream of the start codon, A replaced by G.
Molecular consequence: 5 prime UTR variant.
Genome position (GRCh38, 1-based): chr20:50,903,999, T>C on the plus strand (A>G on the coding strand, the complement: ADNP is on the minus strand). VCF-style: chr20-50903999-T-C. GRCh37 (hg19) VCF-style: chr20-49520536-T-C.
Other names: c.-3A>G (NM_001282532.2, NM_001347511.2, NM_015339.5 and 1 more transcripts).
Identifiers: ClinVar variation 1675247 (VCV001675247.2), dbSNP rs768722888, ClinGen allele CA9908964.